The following is an entry in ClinVar:

ClinVar aggregate classification (germline): Uncertain significance. Review status: criteria provided, multiple submitters, no conflicts (2 of 4 stars). 2 submissions from 2 submitters: Uncertain significance (2). Last evaluated 2024-03-15.

Conditions:
T-B+ severe combined immunodeficiency due to JAK3 deficiency. Also called: SCID, autosomal recessive, T-negative/B-positive type; SCID, T CELL-NEGATIVE, B CELL-POSITIVE, NK CELL-NEGATIVE. Identifiers: Orphanet 35078, MedGen C1833275, MONDO:0010938, OMIM 600802.

Allele frequency attached by ClinVar (database versions not stated): gnomAD exomes below 0.00001; gnomAD 0.00001.
gnomAD v4.1: 2 of 1,613,456 alleles (0.00012%); highest among the groups gnomAD compares: Non-Finnish European, 0.000085%; no homozygotes.

Submissions (2):

Women's Health and Genetics/Laboratory Corporation of America, LabCorp
Classification: Uncertain significance. Last evaluated: 2024-03-15. Review status: criteria provided, single submitter. Criteria: LabCorp Variant Classification Summary - May 2015. Collection method: clinical testing. Allele origin: germline.
Comment: Variant summary: JAK3 c.3254G>A (p.Arg1085Gln) results in a conservative amino acid change located in the Protein kinase domain (IPR000719) of the encoded protein sequence. Four of five in-silico tools predict a damaging effect of the variant on protein function. The variant was absent in 248190 control chromosomes. The available data on variant occurrences in the general population are insufficient to allow any conclusion about variant significance. To our knowledge, c.3254G>A has been not been reported in the literature in individuals affected with Severe Combined Immunodeficiency and no experimental evidence demonstrating an impact on protein function has been reported. The following publication has been ascertained in the context of this evaluation (PMID: 26545580). ClinVar contains an entry for this variant (Variation ID: 1497167). Based on the evidence outlined above, the variant was classified as uncertain significance.

Labcorp Genetics (formerly Invitae), Labcorp
Classification: Uncertain significance for T-B+ severe combined immunodeficiency due to JAK3 deficiency. Last evaluated: 2021-08-30. Review status: criteria provided, single submitter. Criteria: Invitae Variant Classification Sherloc (09022015). Collection method: clinical testing. Allele origin: germline.
Comment: This sequence change replaces arginine with glutamine at codon 1085 of the JAK3 protein (p.Arg1085Gln). The arginine residue is highly conserved and there is a small physicochemical difference between arginine and glutamine. This variant is not present in population databases (ExAC no frequency). This variant has not been reported in the literature in individuals affected with JAK3-related conditions. Algorithms developed to predict the effect of missense changes on protein structure and function (SIFT, PolyPhen-2, Align-GVGD) all suggest that this variant is likely to be disruptive. In summary, the available evidence is currently insufficient to determine the role of this variant in disease. Therefore, it has been classified as a Variant of Uncertain Significance.

Literature cited by the submitters: PubMed 26545580 (cited by Women's Health and Genetics/Laboratory Corporation of America, LabCorp).

NM_000215.4(JAK3):c.3254G>A (p.Arg1085Gln)

Gene: JAK3 (Janus kinase 3; minus strand). Cytogenetic location: 19p13.11.
Variant type: single nucleotide variant.
Coding change: c.3254G>A on transcript NM_000215.4 (MANE Select); coding-DNA position 3254, G replaced by A.
Protein change: p.Arg1085Gln; replaces arginine 1085 with glutamine.
Molecular consequence: missense variant.
Genome position (GRCh38, 1-based): chr19:17,826,864, C>T on the plus strand (G>A on the coding strand, the complement: JAK3 is on the minus strand). VCF-style: chr19-17826864-C-T. GRCh37 (hg19) VCF-style: chr19-17937673-C-T.
Other names: short protein forms R1085Q.
Identifiers: ClinVar variation 1497167 (VCV001497167.8), dbSNP rs2094204878, ClinGen allele CA404763145.